The following is an entry in ClinVar:

NM_001365951.3(KIF1B):c.2104C>G (p.Gln702Glu)

Gene: KIF1B (kinesin family member 1B; plus strand). Cytogenetic location: 1p36.22.
Variant type: single nucleotide variant.
Coding change: c.2104C>G on transcript NM_001365951.3 (MANE Select); coding-DNA position 2104, C replaced by G.
Protein change: p.Gln702Glu; replaces glutamine 702 with glutamic acid.
Molecular consequence: missense variant.
Genome position (GRCh38, 1-based): chr1:10,297,235, C>G. VCF-style: chr1-10297235-C-G. GRCh37 (hg19) VCF-style: chr1-10357293-C-G.
Other names: c.1966C>G, p.Gln656Glu (NM_183416.4, NM_001365953.1, NM_015074.3); c.2104C>G, p.Gln702Glu (NM_001365952.1); short protein forms Q702E, Q656E.
Identifiers: ClinVar variation 5023239 (VCV005023239.1).

ClinVar aggregate classification (germline): Uncertain significance (1 of 4 stars; one submission).

Submission:

Ambry Genetics
Classification: Uncertain significance. Last evaluated: 2026-09-11. Review status: criteria provided, single submitter. Criteria: Ambry Variant Classification Scheme 2023. Collection method: clinical testing. Allele origin: germline.
Comment: The p.Q656E variant (also known as c.1966C>G), located in coding exon 19 of the KIF1B gene, results from a C to G substitution at nucleotide position 1966. The glutamine at codon 656 is replaced by glutamic acid, an amino acid with highly similar properties. This amino acid position is conserved. In addition, the in silico prediction for this alteration is inconclusive. Based on the available evidence, the clinical significance of this variant remains unclear.